The following is an entry in ClinVar:

NM_000498.3(CYP11B2):c.596-1G>T

Genes: CYP11B2 (cytochrome P450 family 11 subfamily B member 2; minus strand), LOC106799834 (CYP11B2 recombination region; plus strand). Cytogenetic location: 8q24.3.
Variant type: single nucleotide variant.
Coding change: c.596-1G>T on transcript NM_000498.3 (MANE Select); the canonical splice acceptor site of the intron before coding-DNA position 596, G replaced by T.
Molecular consequence: splice acceptor variant.
Genome position (GRCh38, 1-based): chr8:142,914,909, C>A on the plus strand (G>T on the coding strand, the complement: CYP11B2 is on the minus strand). VCF-style: chr8-142914909-C-A. GRCh37 (hg19) VCF-style: chr8-143996325-C-A.
Identifiers: ClinVar variation 2035136 (VCV002035136.4), dbSNP rs746315718, ClinGen allele CA372389757.

ClinVar aggregate classification (germline): Likely pathogenic (1 of 4 stars; one submission).

Submission:

Labcorp Genetics (formerly Invitae), Labcorp
Classification: Likely pathogenic. Last evaluated: 2022-10-11. Review status: criteria provided, single submitter. Criteria: Invitae Variant Classification Sherloc (09022015). Collection method: clinical testing. Allele origin: germline.
Comment: This sequence change affects an acceptor splice site in intron 3 of the CYP11B2 gene. It is expected to disrupt RNA splicing. Variants that disrupt the donor or acceptor splice site typically lead to a loss of protein function (PMID: 16199547), and loss-of-function variants in CYP11B2 are known to be pathogenic (PMID: 20494601, 22801770, 26936515). In summary, the currently available evidence indicates that the variant is pathogenic, but additional data are needed to prove that conclusively. Therefore, this variant has been classified as Likely Pathogenic. Algorithms developed to predict the effect of sequence changes on RNA splicing suggest that this variant may disrupt the consensus splice site. This variant has not been reported in the literature in individuals affected with CYP11B2-related conditions. This variant is not present in population databases (gnomAD no frequency).

Literature cited by the submitters: PubMed 16199547; PubMed 20494601; PubMed 22801770; PubMed 26936515.